The following is an entry in ClinVar:

ClinVar aggregate classification (germline): Uncertain significance (1 of 4 stars; one submission).

Conditions:
POLD1-related polyposis and colorectal cancer syndrome (CRCS10). Also called: Colorectal cancer 10; COLORECTAL CANCER, SUSCEPTIBILITY TO, ON CHROMOSOME 19q; Colorectal cancer, susceptibility to, 10. Identifiers: Orphanet 220460, MedGen C2675481, MONDO:0012953, OMIM 612591.

Submission:

Labcorp Genetics (formerly Invitae), Labcorp
Classification: Uncertain significance for POLD1-related polyposis and colorectal cancer syndrome. Last evaluated: 2022-05-18. Review status: criteria provided, single submitter. Criteria: Invitae Variant Classification Sherloc (09022015). Collection method: clinical testing. Allele origin: germline.
Comment: This sequence change replaces glycine, which is neutral and non-polar, with aspartic acid, which is acidic and polar, at codon 341 of the POLD1 protein (p.Gly341Asp). This variant is not present in population databases (gnomAD no frequency). This variant has not been reported in the literature in individuals affected with POLD1-related conditions. Algorithms developed to predict the effect of missense changes on protein structure and function are either unavailable or do not agree on the potential impact of this missense change (SIFT: "Tolerated"; PolyPhen-2: "Probably Damaging"; Align-GVGD: "Class C0"). In summary, the available evidence is currently insufficient to determine the role of this variant in disease. Therefore, it has been classified as a Variant of Uncertain Significance.

NM_002691.4(POLD1):c.1022G>A (p.Gly341Asp)

Gene: POLD1 (DNA polymerase delta 1, catalytic subunit; plus strand). Cytogenetic location: 19q13.33.
Variant type: single nucleotide variant.
Coding change: c.1022G>A on transcript NM_002691.4 (MANE Select); coding-DNA position 1022, G replaced by A.
Protein change: p.Gly341Asp; replaces glycine 341 with aspartic acid.
Molecular consequence: missense variant. On other transcripts: non-coding transcript variant (1).
Genome position (GRCh38, 1-based): chr19:50,403,104, G>A. VCF-style: chr19-50403104-G-A. GRCh37 (hg19) VCF-style: chr19-50906361-G-A.
Other names: c.1022G>A, p.Gly341Asp (NM_001256849.1, NM_001308632.1); short protein forms G341D.
Identifiers: ClinVar variation 1995997 (VCV001995997.4), dbSNP rs2038724006, ClinGen allele CA406978015.
Genomic context (GRCh38, chr19:50,403,104, plus strand): 5'-GCCTCGCAGGCATCTTCCCTGAGCCTGAGCGGGACCCTGTCATCCAGATCTGCTCGCTGG[G>A]CCTGCGCTGGGGGGAGCCGGAGCCCTTCCTACGCCTGGCGCTCACCCTGCGGCCCTGTGC-3'
Protein context (NP_002682.2, residues 331-351): RDPVIQICSL[Gly341Asp]LRWGEPEPFL